The following is an entry in ClinVar:

ClinVar aggregate classification (germline): Uncertain significance (1 of 4 stars; one submission).

gnomAD v4.1: 1 of 1,614,130 alleles (0.000062%); highest among the groups gnomAD compares: Non-Finnish European, 0.000085%; no homozygotes.

Submission:

CeGaT Center for Human Genetics Tuebingen
Classification: Uncertain significance. Last evaluated: 2026-02-01. Review status: criteria provided, single submitter. Criteria: CeGaT Center For Human Genetics Tuebingen Variant Classification Criteria Version 2. Collection method: clinical testing. Allele origin: germline. Affected: yes. Observed: 1 variant allele.
Comment: TRIP12: PM2

NM_001348323.3(TRIP12):c.2695A>G (p.Met899Val)

Gene: TRIP12 (thyroid hormone receptor interactor 12; minus strand). Cytogenetic location: 2q36.3.
Variant type: single nucleotide variant.
Coding change: c.2695A>G on transcript NM_001348323.3 (MANE Select); coding-DNA position 2695, A replaced by G.
Protein change: p.Met899Val; replaces methionine 899 with valine.
Molecular consequence: missense variant.
Genome position (GRCh38, 1-based): chr2:229,804,183, T>C on the plus strand (A>G on the coding strand, the complement: TRIP12 is on the minus strand). VCF-style: chr2-229804183-T-C. GRCh37 (hg19) VCF-style: chr2-230668899-T-C.
Other names: c.2695A>G, p.Met899Val (NM_001348324.2, NM_001348325.2, NM_001348326.2 and 4 more transcripts); c.2698A>G, p.Met900Val (NM_001348328.1, NM_001348329.2, NM_001348330.2 and 1 more transcripts); c.2488A>G, p.Met830Val (NM_001348331.1); c.2608A>G, p.Met870Val (NM_001348332.1); c.2614A>G, p.Met872Val (NM_001284214.2, NM_001348315.2); c.2569A>G, p.Met857Val (NM_001284215.2, NM_001348316.2, NM_001348317.1 and 1 more transcripts); c.1660A>G, p.Met554Val (NM_001284216.2); c.2617A>G, p.Met873Val (NM_001348333.1); and 1 more; short protein forms M554V, M824V, M830V, M857V, M870V, M872V, M873V, M899V.
Identifiers: ClinVar variation 4823168 (VCV004823168.4).